The following is an entry in ClinVar:

ClinVar aggregate classification (germline): Uncertain significance. Review status: criteria provided, multiple submitters, no conflicts (2 of 4 stars). 3 submissions from 3 submitters: Uncertain significance (3). Last evaluated 2025-12-22.

Conditions:
Inborn genetic diseases. Identifiers: MedGen C0950123, MeSH D030342.

gnomAD v4.1: 4 of 1,612,800 alleles (0.00025%); highest among the groups gnomAD compares: Admixed American, 0.005%; no homozygotes.

Submissions (3):

Ambry Genetics
Classification: Uncertain significance for Inborn genetic diseases. Last evaluated: 2025-12-22. Review status: criteria provided, single submitter. Criteria: Ambry Variant Classification Scheme 2023. Collection method: clinical testing. Allele origin: germline.

Labcorp Genetics (formerly Invitae), Labcorp
Classification: Uncertain significance. Last evaluated: 2025-07-14. Review status: criteria provided, single submitter. Criteria: Invitae Variant Classification Sherloc (09022015). Collection method: clinical testing. Allele origin: germline.
Comment: This sequence change replaces threonine, which is neutral and polar, with arginine, which is basic and polar, at codon 928 of the COL7A1 protein (p.Thr928Arg). This variant is present in population databases (rs766164278, gnomAD 0.003%). This variant has not been reported in the literature in individuals affected with COL7A1-related conditions. ClinVar contains an entry for this variant (Variation ID: 3379464). Invitae Evidence Modeling of protein sequence and biophysical properties (such as structural, functional, and spatial information, amino acid conservation, physicochemical variation, residue mobility, and thermodynamic stability) indicates that this missense variant is not expected to disrupt COL7A1 protein function with a negative predictive value of 95%. In summary, the available evidence is currently insufficient to determine the role of this variant in disease. Therefore, it has been classified as a Variant of Uncertain Significance.

Mayo Clinic Laboratories, Mayo Clinic
Classification: Uncertain significance. Last evaluated: 2024-09-04. Review status: criteria provided, single submitter. Criteria: ACMG Guidelines, 2015. Collection method: clinical testing. Allele origin: germline. Observed: 1 variant allele.
Comment: PM2

NM_000094.4(COL7A1):c.2783C>G (p.Thr928Arg)

Gene: COL7A1 (collagen type VII alpha 1 chain; minus strand). Cytogenetic location: 3p21.31.
Variant type: single nucleotide variant.
Coding change: c.2783C>G on transcript NM_000094.4 (MANE Select); coding-DNA position 2783, C replaced by G.
Protein change: p.Thr928Arg; replaces threonine 928 with arginine.
Molecular consequence: missense variant.
Genome position (GRCh38, 1-based): chr3:48,587,867, G>C on the plus strand (C>G on the coding strand, the complement: COL7A1 is on the minus strand). VCF-style: chr3-48587867-G-C. GRCh37 (hg19) VCF-style: chr3-48625300-G-C.
Other names: p.Thr928Arg; short protein forms T928R.
Identifiers: ClinVar variation 3379464 (VCV003379464.4).